The following is an entry in ClinVar:

NM_000487.6(ARSA):c.1489C>T (p.Pro497Ser)

Gene: ARSA (arylsulfatase A; minus strand). Cytogenetic location: 22q13.33.
Variant type: single nucleotide variant.
Coding change: c.1489C>T on transcript NM_000487.6 (MANE Select); coding-DNA position 1489, C replaced by T.
Protein change: p.Pro497Ser; replaces proline 497 with serine.
Molecular consequence: missense variant.
Genome position (GRCh38, 1-based): chr22:50,625,186, G>A on the plus strand (C>T on the coding strand, the complement: ARSA is on the minus strand). VCF-style: chr22-50625186-G-A. GRCh37 (hg19) VCF-style: chr22-51063614-G-A.
Other names: c.1489C>T, p.Pro497Ser (NM_001085425.3, NM_001085426.3, NM_001085427.3); c.1231C>T, p.Pro411Ser (NM_001085428.3, NM_001362782.2); short protein forms P411S, P497S.
Identifiers: ClinVar variation 1475159 (VCV001475159.5), dbSNP rs1250959266, ClinGen allele CA412166894.

ClinVar aggregate classification (germline): Uncertain significance (1 of 4 stars; one submission).

Conditions:
Metachromatic leukodystrophy (MLD). Also called: Arylsulfatase A Deficiency; Cerebral sclerosis diffuse metachromatic form; ARSA DEFICIENCY; CEREBROSIDE SULFATASE DEFICIENCY; METACHROMATIC LEUKOENCEPHALOPATHY; SULFATIDE LIPIDOSIS. Identifiers: Orphanet 512, MedGen C0023522, MONDO:0018868, OMIM 250100.

Allele frequency attached by ClinVar (database versions not stated): gnomAD exomes below 0.00001; TOPMed 0.00001; gnomAD 0.00002.

Submission:

Labcorp Genetics (formerly Invitae), Labcorp
Classification: Uncertain significance for Metachromatic leukodystrophy. Last evaluated: 2022-09-01. Review status: criteria provided, single submitter. Criteria: Invitae Variant Classification Sherloc (09022015). Collection method: clinical testing. Allele origin: germline.
Comment: This sequence change replaces proline, which is neutral and non-polar, with serine, which is neutral and polar, at codon 497 of the ARSA protein (p.Pro497Ser). This variant is not present in population databases (gnomAD no frequency). This variant has not been reported in the literature in individuals affected with ARSA-related conditions. ClinVar contains an entry for this variant (Variation ID: 1475159). Advanced modeling of protein sequence and biophysical properties (such as structural, functional, and spatial information, amino acid conservation, physicochemical variation, residue mobility, and thermodynamic stability) performed at Invitae indicates that this missense variant is expected to disrupt ARSA protein function. In summary, the available evidence is currently insufficient to determine the role of this variant in disease. Therefore, it has been classified as a Variant of Uncertain Significance.